The following is an entry in ClinVar:

ClinVar aggregate classification (germline): Uncertain significance. Review status: criteria provided, multiple submitters, no conflicts (2 of 4 stars). 2 submissions from 2 submitters: Uncertain significance (2). Last evaluated 2025-09-22.

Conditions:
Inborn genetic diseases. Identifiers: MedGen C0950123, MeSH D030342.

Submissions (2):

Labcorp Genetics (formerly Invitae), Labcorp
Classification: Uncertain significance. Last evaluated: 2025-09-22. Review status: criteria provided, single submitter. Criteria: Invitae Variant Classification Sherloc (09022015). Collection method: clinical testing. Allele origin: germline.
Comment: This sequence change replaces glutamic acid, which is acidic and polar, with lysine, which is basic and polar, at codon 229 of the SERPINF1 protein (p.Glu229Lys). This variant is present in population databases (rs531766837, gnomAD 0.01%). This variant has not been reported in the literature in individuals affected with SERPINF1-related conditions. ClinVar contains an entry for this variant (Variation ID: 3952701). Invitae Evidence Modeling of protein sequence and biophysical properties (such as structural, functional, and spatial information, amino acid conservation, physicochemical variation, residue mobility, and thermodynamic stability) indicates that this missense variant is not expected to disrupt SERPINF1 protein function with a negative predictive value of 80%. In summary, the available evidence is currently insufficient to determine the role of this variant in disease. Therefore, it has been classified as a Variant of Uncertain Significance.

Ambry Genetics
Classification: Uncertain significance for Inborn genetic diseases. Last evaluated: 2025-03-28. Review status: criteria provided, single submitter. Criteria: Ambry Variant Classification Scheme 2023. Collection method: clinical testing. Allele origin: germline.

NM_002615.7(SERPINF1):c.685G>A (p.Glu229Lys)

Gene: SERPINF1 (serpin family F member 1; plus strand). Cytogenetic location: 17p13.3.
Variant type: single nucleotide variant.
Coding change: c.685G>A on transcript NM_002615.7 (MANE Select); coding-DNA position 685, G replaced by A.
Protein change: p.Glu229Lys; replaces glutamic acid 229 with lysine.
Molecular consequence: missense variant.
Genome position (GRCh38, 1-based): chr17:1,775,099, G>A. VCF-style: chr17-1775099-G-A. GRCh37 (hg19) VCF-style: chr17-1678393-G-A.
Other names: c.685G>A, p.Glu229Lys (NM_001329903.2); c.124G>A, p.Glu42Lys (NM_001329904.2, NM_001329905.2); short protein forms E42K, E229K.
Identifiers: ClinVar variation 3952701 (VCV003952701.2).
Genomic context (GRCh38, chr17:1,775,099, plus strand): 5'-GTCATACACTTCTTTCCAGGGCAGTGGGTAACAAAGTTTGACTCCAGAAAGACTTCCCTC[G>A]AGGATTTCTACTTGGATGAAGAGAGGACCGTGAGGGTCCCCATGATGTCGGACCCTAAGG-3'
Protein context (NP_002606.3, residues 219-239): TKFDSRKTSL[Glu229Lys]DFYLDEERTV